The following is an entry in ClinVar:

ClinVar aggregate classification (germline): Uncertain significance (1 of 4 stars; one submission).

Conditions:
Hypertrophic cardiomyopathy. Also called: HYPERTROPHIC MYOCARDIOPATHY. Identifiers: Orphanet 217569, MedGen C0007194, MeSH D002312, MONDO:0005045, HP:0001639.

gnomAD v4.1: 1 of 1,614,204 alleles (0.000062%); highest among the groups gnomAD compares: Non-Finnish European, 0.000085%; no homozygotes.

Submission:

Labcorp Genetics (formerly Invitae), Labcorp
Classification: Uncertain significance for Hypertrophic cardiomyopathy. Last evaluated: 2025-02-05. Review status: criteria provided, single submitter. Criteria: Invitae Variant Classification Sherloc (09022015). Collection method: clinical testing. Allele origin: germline.
Comment: This sequence change replaces alanine, which is neutral and non-polar, with serine, which is neutral and polar, at codon 1882 of the MYH7 protein (p.Ala1882Ser). This variant is not present in population databases (gnomAD no frequency). This variant has not been reported in the literature in individuals affected with MYH7-related conditions. Invitae Evidence Modeling of protein sequence and biophysical properties (such as structural, functional, and spatial information, amino acid conservation, physicochemical variation, residue mobility, and thermodynamic stability) has been performed for this missense variant. However, the output from this modeling did not meet the statistical confidence thresholds required to predict the impact of this variant on MYH7 protein function. In summary, the available evidence is currently insufficient to determine the role of this variant in disease. Therefore, it has been classified as a Variant of Uncertain Significance.

NM_000257.4(MYH7):c.5644G>T (p.Ala1882Ser)

Gene: MYH7 (myosin heavy chain 7; minus strand). Cytogenetic location: 14q11.2.
Variant type: single nucleotide variant.
Coding change: c.5644G>T on transcript NM_000257.4 (MANE Select); coding-DNA position 5644, G replaced by T.
Protein change: p.Ala1882Ser; replaces alanine 1882 with serine.
Molecular consequence: missense variant.
Genome position (GRCh38, 1-based): chr14:23,414,018, C>A on the plus strand (G>T on the coding strand, the complement: MYH7 is on the minus strand). VCF-style: chr14-23414018-C-A. GRCh37 (hg19) VCF-style: chr14-23883227-C-A.
Other names: c.5644G>T, p.Ala1882Ser (NM_001407004.1); short protein forms A1882S.
Identifiers: ClinVar variation 3635989 (VCV003635989.2).
Genomic context (GRCh38, chr14:23,414,018, plus strand): 5'-GAGCTCTCCTATGCCTCCCCTGGGCCTAGTCCCCAGCAGGGTCACTCACCGCCTCCTCGG[C>A]CTGGCGCTTGTAGGCCTTGACCTTTAGCTGCAGCTTGTCTACCAGGTCCTGCAGCCGCAG-3'
Protein context (NP_000248.2, residues 1872-1892): QLKVKAYKRQ[Ala1882Ser]EEAEEQANTN